The following is an entry in ClinVar:

NM_001377530.1(DMBT1):c.1752C>T (p.Gly584=)

Gene: DMBT1 (deleted in malignant brain tumors 1; plus strand). Cytogenetic location: 10q26.13.
Variant type: single nucleotide variant.
Coding change: c.1752C>T on transcript NM_001377530.1 (MANE Select); coding-DNA position 1752, C replaced by T.
Protein change: p.Gly584=; no amino-acid change (glycine 584 retained).
Molecular consequence: synonymous variant. On other transcripts: intron variant (1).
Genome position (GRCh38, 1-based): chr10:122,586,352, C>T. VCF-style: chr10-122586352-C-T. GRCh37 (hg19) VCF-style: chr10-124345868-C-T.
Other names: c.1752C>T, p.Gly584= (NM_001320644.2, NM_007329.3); c.1722C>T, p.Gly574= (NM_017579.3); c.1420+2001C>T (NM_004406.3).
Identifiers: ClinVar variation 3390090 (VCV003390090.14).

ClinVar aggregate classification (germline): Likely benign (1 of 4 stars; one submission).

gnomAD v4.1: 2 of 1,588,076 alleles (0.00013%); highest among the groups gnomAD compares: South Asian, 0.0023%; no homozygotes.

Submission:

CeGaT Center for Human Genetics Tuebingen
Classification: Likely benign. Last evaluated: 2024-11-01. Review status: criteria provided, single submitter. Criteria: CeGaT Center For Human Genetics Tuebingen Variant Classification Criteria Version 2. Collection method: clinical testing. Allele origin: germline. Affected: yes. Observed: 1 variant allele.
Comment: DMBT1: BP4, BP7